The following is an entry in ClinVar:

ClinVar aggregate classification (germline): Uncertain significance. Review status: criteria provided, multiple submitters, no conflicts (2 of 4 stars). 2 submissions from 2 submitters: Uncertain significance (2). Last evaluated 2026-04-14.

Conditions:
Familial intrahepatic cholestasis. Identifiers: Orphanet 284385, MedGen CN296401, MONDO:0017290.

gnomAD v4.1: 12 of 1,613,764 alleles (0.00074%); highest among the groups gnomAD compares: Admixed American, 0.0017%; no homozygotes.

Submissions (2):

Genomenon, Inc
Classification: Uncertain significance for Familial intrahepatic cholestasis. Last evaluated: 2026-04-14. Review status: criteria provided, single submitter. Criteria: Genomenon Sequence Variant Interpretation Standards - Updated. Collection method: curation. Allele origin: germline. Affected: no.
Comment: ABCB11 p.Arg1276Cys (c.3826C>T) is a missense variant that changes the amino acid at residue 1276 from Arginine to Cysteine. This variant has been reported in the published literature (PMID:35894240). It is absent or not present at a significant frequency in gnomAD. In silico models predict that this variant is possibly or probably damaging. In conclusion, we classify ABCB11 p.Arg1276Cys (c.3826C>T) as a variant of uncertain significance.

Labcorp Genetics (formerly Invitae), Labcorp
Classification: Uncertain significance. Last evaluated: 2024-11-05. Review status: criteria provided, single submitter. Criteria: Invitae Variant Classification Sherloc (09022015). Collection method: clinical testing. Allele origin: germline.
Comment: This sequence change replaces arginine, which is basic and polar, with cysteine, which is neutral and slightly polar, at codon 1276 of the ABCB11 protein (p.Arg1276Cys). This variant is not present in population databases (gnomAD no frequency). This missense change has been observed in individual(s) with clinical features of ABCB11-related conditions (PMID: 29404523, 35894240). Invitae Evidence Modeling of protein sequence and biophysical properties (such as structural, functional, and spatial information, amino acid conservation, physicochemical variation, residue mobility, and thermodynamic stability) indicates that this missense variant is expected to disrupt ABCB11 protein function with a positive predictive value of 95%. In summary, the available evidence is currently insufficient to determine the role of this variant in disease. Therefore, it has been classified as a Variant of Uncertain Significance.

Literature cited by the submitters: PubMed 35894240 (cited by Genomenon, Inc and Labcorp Genetics (formerly Invitae), Labcorp); PubMed 29404523 (cited by Labcorp Genetics (formerly Invitae), Labcorp).

NM_003742.4(ABCB11):c.3826C>T (p.Arg1276Cys)

Gene: ABCB11 (ATP binding cassette subfamily B member 11; minus strand). Cytogenetic location: 2q31.1.
Variant type: single nucleotide variant.
Coding change: c.3826C>T on transcript NM_003742.4 (MANE Select); coding-DNA position 3826, C replaced by T.
Protein change: p.Arg1276Cys; replaces arginine 1276 with cysteine.
Molecular consequence: missense variant.
Genome position (GRCh38, 1-based): chr2:168,923,762, G>A on the plus strand (C>T on the coding strand, the complement: ABCB11 is on the minus strand). VCF-style: chr2-168923762-G-A. GRCh37 (hg19) VCF-style: chr2-169780272-G-A.
Other names: short protein forms R1276C.
Identifiers: ClinVar variation 3704348 (VCV003704348.3).